The following is an entry in ClinVar:

NM_004859.4(CLTC):c.4893dup (p.Ile1632fs)

Gene: CLTC (clathrin heavy chain; plus strand). Cytogenetic location: 17q23.1.
Variant type: Duplication.
Coding change: c.4893dup on transcript NM_004859.4 (MANE Select); coding-DNA position 4893, one base duplicated (C; older notation c.4893dupC).
Protein change: p.Ile1632fs; shifts the reading frame from isoleucine 1632.
Molecular consequence: frameshift variant.
Genome position (GRCh38, 1-based): chr17:59,690,701, C duplicated; the last of 3 consecutive C bases (chr17:59,690,699-59,690,701); duplicating any one gives the same sequence. VCF-style (leftmost placement, unchanged base first): chr17-59690698-A-AC. GRCh37 (hg19) VCF-style: chr17-57768059-A-AC.
Other names: c.4905dup, p.Ile1636fs (NM_001288653.2); short protein forms I1632fs, I1636fs.
Identifiers: ClinVar variation 1801702 (VCV001801702.1), dbSNP rs2509165203, ClinGen allele CA2580094361.

ClinVar aggregate classification (germline): Likely pathogenic (1 of 4 stars; one submission).

Conditions:
Global developmental delay (DD). Also called: Cognitive delay. Identifiers: MedGen C0557874, HP:0001263. Disease mechanism: loss of function.

Submission:

Human Genetics Bochum, Ruhr University Bochum
Classification: Likely pathogenic for Global developmental delay. Last evaluated: 2022-02-17. Review status: criteria provided, single submitter. Criteria: ACMG Guidelines, 2015. Collection method: clinical testing. Allele origin: germline. Affected: yes.
Comment: ACMG criteria used to clasify this variant: PVS1, PM2_SUP